The following is an entry in ClinVar:

ClinVar aggregate classification (germline): Uncertain significance (1 of 4 stars; one submission).

Conditions:
Mitochondrial hypertrophic cardiomyopathy with lactic acidosis due to MTO1 deficiency. Also called: Combined oxidative phosphorylation deficiency 10; CARDIOMYOPATHY, INFANTILE HYPERTROPHIC MITOCHONDRIAL, AND LACTIC ACIDOSIS. Identifiers: Orphanet 314637, MedGen C4749921, MONDO:0013865, OMIM 614702.

Allele frequency attached by ClinVar (database versions not stated): gnomAD exomes below 0.00001; gnomAD 0.00001.
gnomAD v4.1: 7 of 1,613,934 alleles (0.00043%); highest among the groups gnomAD compares: African/African-American, 0.0067%; no homozygotes.

Submission:

Labcorp Genetics (formerly Invitae), Labcorp
Classification: Uncertain significance for Mitochondrial hypertrophic cardiomyopathy with lactic acidosis due to MTO1 deficiency. Last evaluated: 2022-06-08. Review status: criteria provided, single submitter. Criteria: Invitae Variant Classification Sherloc (09022015). Collection method: clinical testing. Allele origin: germline.
Comment: This sequence change affects codon 597 of the MTO1 mRNA. It is a 'silent' change, meaning that it does not change the encoded amino acid sequence of the MTO1 protein. This variant is not present in population databases (gnomAD no frequency). This variant has not been reported in the literature in individuals affected with MTO1-related conditions. Algorithms developed to predict the effect of sequence changes on RNA splicing suggest that this variant may disrupt the consensus splice site. In summary, the available evidence is currently insufficient to determine the role of this variant in disease. Therefore, it has been classified as a Variant of Uncertain Significance.

NM_012123.4(MTO1):c.1791A>G (p.Gln597=)

Gene: MTO1 (mitochondrial tRNA translation optimization 1; plus strand). Cytogenetic location: 6q13.
Variant type: single nucleotide variant.
Coding change: c.1791A>G on transcript NM_012123.4 (MANE Select); coding-DNA position 1791, A replaced by G.
Protein change: p.Gln597=; no amino-acid change (glutamine 597 retained).
Molecular consequence: synonymous variant.
Genome position (GRCh38, 1-based): chr6:73,497,770, A>G. VCF-style: chr6-73497770-A-G. GRCh37 (hg19) VCF-style: chr6-74207493-A-G.
Other names: c.1911A>G, p.Gln637= (NM_001123226.2); c.1866A>G, p.Gln622= (NM_133645.3).
Identifiers: ClinVar variation 2139203 (VCV002139203.1), dbSNP rs1034296842, ClinGen allele CA450878532.
Genomic context (GRCh38, chr6:73,497,770, plus strand): 5'-AACATGATTCTGATTTTGTTGACCAGCCACTTATGAATCAGTGTTGTTCCATCAACTACA[A>G]GAAATAAAGGGAGTTCAGCAAGATGAAGCTCTCCAACTGCCAAAAGACCTAGATTATTTG-3'
Protein context (NP_036255.2, residues 587-607): TYESVLFHQL[Gln597=]EIKGVQQDEA